The following is an entry in ClinVar:

ClinVar aggregate classification (germline): Uncertain significance (1 of 4 stars; one submission).

Submission:

GeneDx
Classification: Uncertain significance. Last evaluated: 2024-04-24. Review status: criteria provided, single submitter. Criteria: GeneDx Variant Classification Process June 2021. Collection method: clinical testing. Allele origin: germline. Affected: yes.
Comment: Not observed at significant frequency in large population cohorts (gnomAD); In silico analysis indicates that this missense variant does not alter protein structure/function; Has not been previously published as pathogenic or benign to our knowledge

NM_007325.5(GRIA3):c.257T>C (p.Val86Ala)

Gene: GRIA3 (glutamate ionotropic receptor AMPA type subunit 3; plus strand). Cytogenetic location: Xq25.
Variant type: single nucleotide variant.
Coding change: c.257T>C on transcript NM_007325.5 (MANE Select); coding-DNA position 257, T replaced by C.
Protein change: p.Val86Ala; replaces valine 86 with alanine.
Molecular consequence: missense variant.
Genome position (GRCh38, 1-based): chrX:123,185,979, T>C. VCF-style: chrX-123185979-T-C. GRCh37 (hg19) VCF-style: chrX-122319831-T-C.
Other names: c.257T>C, p.Val86Ala (NM_000828.5, NM_001256743.2); short protein forms V86A.
Identifiers: ClinVar variation 3369519 (VCV003369519.1).